The following is an entry in ClinVar:

NC_000023.10:g.(?_14875974)_(14891184_?)del

Gene: FANCB (FA complementation group B; minus strand). Cytogenetic location: Xp22.2.
Variant type: Deletion.
Identifiers: ClinVar variation 2423479 (VCV002423479.4).

ClinVar aggregate classification (germline): Pathogenic (1 of 4 stars; one submission).

Conditions:
Fanconi anemia (FA). Also called: Fanconi's anemia. Identifiers: Orphanet 84, MedGen C0015625, MeSH D005199, MONDO:0019391.

Submission:

Labcorp Genetics (formerly Invitae), Labcorp
Classification: Pathogenic for Fanconi anemia. Last evaluated: 2022-09-10. Review status: criteria provided, single submitter. Criteria: Invitae Variant Classification Sherloc (09022015). Collection method: clinical testing. Allele origin: germline.
Comment: For these reasons, this variant has been classified as Pathogenic. This variant has not been reported in the literature in individuals affected with FANCB-related conditions. This variant is a gross deletion of the genomic region encompassing exon(s) 1-5 of the FANCB gene, which includes the initiator codon. This deletion extends beyond the assayed region for this gene and therefore may encompass additional genes. It is expected to result in an absent or disrupted protein product. Loss-of-function variants in FANCB are known to be pathogenic (PMID: 15502827, 23613520).

Literature cited by the submitters: PubMed 15502827; PubMed 23613520.